The following is an entry in ClinVar:

ClinVar aggregate classification (germline): Uncertain significance. Review status: criteria provided, multiple submitters, no conflicts (2 of 4 stars). 2 submissions from 2 submitters: Uncertain significance (2). Last evaluated 2026-07-02.

Conditions:
Hereditary cancer-predisposing syndrome. Also called: Tumor predisposition; Hereditary Cancer Syndrome; Hereditary neoplastic syndrome; Neoplastic Syndromes, Hereditary. Identifiers: Orphanet 140162, MedGen C0027672, MeSH D009386, MONDO:0015356.
Mitochondrial complex II deficiency, nuclear type 1. Also called: SUCCINATE CoQ REDUCTASE DEFICIENCY. Identifiers: Orphanet 3208, MedGen C5700310, MONDO:0100294, OMIM 252011.
Pheochromocytoma/paraganglioma syndrome 5. Also called: Paragangliomas 5; SDHA-Related Hereditary Paraganglioma-Pheochromocytoma Syndrome. Identifiers: Orphanet 29072, MedGen C3279992, MONDO:0013602, OMIM 614165.

Submissions (2):

Ambry Genetics
Classification: Uncertain significance for Hereditary cancer-predisposing syndrome. Last evaluated: 2026-07-02. Review status: criteria provided, single submitter. Criteria: Ambry Variant Classification Scheme 2023. Collection method: clinical testing. Allele origin: germline.

Labcorp Genetics (formerly Invitae), Labcorp
Classification: Uncertain significance for Pheochromocytoma/paraganglioma syndrome 5; Mitochondrial complex II deficiency, nuclear type 1. Last evaluated: 2020-08-26. Review status: criteria provided, single submitter. Criteria: Invitae Variant Classification Sherloc (09022015). Collection method: clinical testing. Allele origin: germline.
Comment: This sequence change replaces glycine with arginine at codon 635 of the SDHA protein (p.Gly635Arg). The glycine residue is highly conserved and there is a moderate physicochemical difference between glycine and arginine. This variant is not present in population databases (ExAC no frequency). This variant has not been reported in the literature in individuals with SDHA-related conditions. Advanced modeling of protein sequence and biophysical properties (such as structural, functional, and spatial information, amino acid conservation, physicochemical variation, residue mobility, and thermodynamic stability) performed at Invitae indicates that this missense variant is not expected to disrupt SDHA protein function. Algorithms developed to predict the effect of sequence changes on RNA splicing suggest that this variant may create or strengthen a splice site, but this prediction has not been confirmed by published transcriptional studies. In summary, the available evidence is currently insufficient to determine the role of this variant in disease. Therefore, it has been classified as a Variant of Uncertain Significance.

NM_004168.4(SDHA):c.1903G>A (p.Gly635Arg)

Gene: SDHA (succinate dehydrogenase complex flavoprotein subunit A; plus strand). Cytogenetic location: 5p15.33.
Variant type: single nucleotide variant.
Coding change: c.1903G>A on transcript NM_004168.4 (MANE Select); coding-DNA position 1903, G replaced by A.
Protein change: p.Gly635Arg; replaces glycine 635 with arginine.
Molecular consequence: missense variant.
Genome position (GRCh38, 1-based): chr5:254,501, G>A. VCF-style: chr5-254501-G-A. GRCh37 (hg19) VCF-style: chr5-254616-G-A.
Other names: c.1903G>A (NM_004168.2); c.1759G>A, p.Gly587Arg (NM_001294332.2); c.1660G>A, p.Gly554Arg (NM_001330758.2); short protein forms G635R, G554R, G587R.
Identifiers: ClinVar variation 1040659 (VCV001040659.10), dbSNP rs1737055056, ClinGen allele CA359002286.